The following is an entry in ClinVar:

ClinVar aggregate classification (germline): Conflicting classifications of pathogenicity. Review status: criteria provided, conflicting classifications (1 of 4 stars). 3 submissions from 3 submitters: Pathogenic (1); Uncertain significance (2). Last evaluated 2024-11-18.

Conditions:
AICA-ribosiduria. Also called: AICA-ribosiduria due to ATIC deficiency; ATIC DEFICIENCY. Identifiers: Orphanet 250977, MedGen C1837530, MONDO:0012099, OMIM 608688.

Submissions (3):

Women's Health and Genetics/Laboratory Corporation of America, LabCorp
Classification: Pathogenic for AICA-ribosiduria. Last evaluated: 2024-11-18. Review status: criteria provided, single submitter. Criteria: LabCorp Variant Classification Summary - May 2015. Collection method: clinical testing. Allele origin: germline.
Comment: Variant summary: ATIC c.131delinsGCA (p.Ala44GlyfsX12) results in a premature termination codon, predicted to cause a truncation of the encoded protein or absence of the protein due to nonsense mediated decay, which is a known mechanisms for disease. The variant was absent in 282884 control chromosomes (gnomAD). To our knowledge, no occurrence of c.131delinsGCA in individuals affected with AICA-Ribosiduria and no experimental evidence demonstrating its impact on protein function have been reported, although another variant resulting in the same frameshift has been found in an AICA-Ribosiduria case (c.131delCinsGGA, PMID: 15114530). ClinVar contains an entry for this variant (Variation ID: 2439310). Based on the evidence outlined above, the variant was classified as pathogenic.

Blueprint Genetics
Classification: Uncertain significance. Last evaluated: 2022-04-14. Review status: criteria provided, single submitter. Criteria: ACMG Guidelines, 2015. Collection method: clinical testing. Allele origin: germline.

Revvity Omics, Revvity
Classification: Uncertain significance for AICA-ribosiduria. Last evaluated: 2019-01-15. Review status: criteria provided, single submitter. Criteria: ACMG Guidelines, 2015. Collection method: clinical testing. Allele origin: germline.

NM_004044.7(ATIC):c.131delinsGCA (p.Ala44fs)

Gene: ATIC (5-aminoimidazole-4-carboxamide ribonucleotide formyltransferase/IMP cyclohydrolase; plus strand). Cytogenetic location: 2q35.
Variant type: Indel.
Coding change: c.131delinsGCA on transcript NM_004044.7 (MANE Select); coding-DNA position 131, C replaced by GCA.
Protein change: p.Ala44fs; shifts the reading frame from alanine 44.
Molecular consequence: frameshift variant.
Genome position (GRCh38, 1-based): chr2:215,312,609, C replaced by GCA. VCF-style: chr2-215312609-C-GCA. GRCh37 (hg19) VCF-style: chr2-216177332-C-GCA.
Other names: short protein forms A44fs.
Identifiers: ClinVar variation 2439310 (VCV002439310.5), dbSNP rs2105985030, ClinGen allele CA2580065629.